The following is an entry in ClinVar:

NM_013328.4(PYCR2):c.466G>A (p.Val156Met)

Gene: PYCR2 (pyrroline-5-carboxylate reductase 2; minus strand). Cytogenetic location: 1q42.12.
Variant type: single nucleotide variant.
Coding change: c.466G>A on transcript NM_013328.4 (MANE Select); coding-DNA position 466, G replaced by A.
Protein change: p.Val156Met; replaces valine 156 with methionine.
Molecular consequence: missense variant. On other transcripts: intron variant (1).
Genome position (GRCh38, 1-based): chr1:225,921,932, C>T on the plus strand (G>A on the coding strand, the complement: PYCR2 is on the minus strand). VCF-style: chr1-225921932-C-T. GRCh37 (hg19) VCF-style: chr1-226109632-C-T.
Other names: c.466G>A (NM_013328.3); c.318+272G>A (NM_001271681.2); short protein forms V156M.
Identifiers: ClinVar variation 3612679 (VCV003612679.4).

ClinVar aggregate classification (germline): Uncertain significance. Review status: criteria provided, multiple submitters, no conflicts (2 of 4 stars). 2 submissions from 2 submitters: Uncertain significance (2). Last evaluated 2026-08-27.

Submissions (2):

GeneDx
Classification: Uncertain significance. Last evaluated: 2026-08-27. Review status: criteria provided, single submitter. Criteria: GeneDx Variant Classification Process June 2021. Collection method: clinical testing. Allele origin: germline.
Comment: Not observed at significant frequency in large population cohorts (gnomAD); In silico analysis suggests that this missense variant does not alter protein structure/function; Has not been previously published as pathogenic or benign to our knowledge

Labcorp Genetics (formerly Invitae), Labcorp
Classification: Uncertain significance. Last evaluated: 2024-11-18. Review status: criteria provided, single submitter. Criteria: Invitae Variant Classification Sherloc (09022015). Collection method: clinical testing. Allele origin: germline.
Comment: This sequence change replaces valine, which is neutral and non-polar, with methionine, which is neutral and non-polar, at codon 156 of the PYCR2 protein (p.Val156Met). This variant is present in population databases (rs145139251, gnomAD 0.0009%). This variant has not been reported in the literature in individuals affected with PYCR2-related conditions. Invitae Evidence Modeling of protein sequence and biophysical properties (such as structural, functional, and spatial information, amino acid conservation, physicochemical variation, residue mobility, and thermodynamic stability) indicates that this missense variant is not expected to disrupt PYCR2 protein function with a negative predictive value of 80%. In summary, the available evidence is currently insufficient to determine the role of this variant in disease. Therefore, it has been classified as a Variant of Uncertain Significance.